The following is an entry in ClinVar:

NM_170606.3(KMT2C):c.9518-5del

Gene: KMT2C (lysine methyltransferase 2C; minus strand). Cytogenetic location: 7q36.1.
Variant type: Deletion.
Coding change: c.9518-5del on transcript NM_170606.3 (MANE Select); 5 bases into the intron before coding-DNA position 9518, one base deleted (C; older notation c.9518-5delC).
Molecular consequence: intron variant.
Genome position (GRCh38, 1-based): chr7:152,167,383, G deleted on the plus strand (C on the coding strand, the reverse complement: KMT2C is on the minus strand); the first of 2 consecutive G bases (chr7:152,167,383-152,167,384); deleting either gives the same sequence. VCF-style (leftmost placement, unchanged base first): chr7-152167382-AG-A. GRCh37 (hg19) VCF-style: chr7-151864467-AG-A.
Other names: c.9518-5delC (NM_170606.3).
Identifiers: ClinVar variation 4853046 (VCV004853046.1).

ClinVar aggregate classification (germline): Likely benign (1 of 4 stars; one submission).

Submission:

Women's Health and Genetics/Laboratory Corporation of America, LabCorp
Classification: Likely benign. Last evaluated: 2026-05-15. Review status: criteria provided, single submitter. Criteria: LabCorp Variant Classification Summary - May 2015. Collection method: clinical testing. Allele origin: germline.
Comment: Variant summary: KMT2C c.9518-5delC alters a nucleotide located at a position not widely known to affect splicing. Consensus agreement among computation tools predict no significant impact on normal splicing. However, these predictions have yet to be confirmed by functional studies. The variant allele was found at a frequency of 2.6e-05 in 152218 control chromosomes (gnomAD v4, Genomes data). The available data on variant occurrences in the general population are insufficient to allow any conclusion about variant significance. To our knowledge, no occurrence of c.9518-5delC in individuals affected with KMT2C-related conditions and no experimental evidence demonstrating its impact on protein function have been reported. No submitters have cited clinical-significance assessments for this variant to ClinVar. Based on the evidence outlined above, the variant was classified as likely benign.